The following is an entry in ClinVar:

NM_139076.3(ABRAXAS1):c.54C>T (p.Leu18=)

Genes: ABRAXAS1 (abraxas 1, BRCA1 A complex subunit; minus strand), LOC129992784 (ATAC-STARR-seq lymphoblastoid silent region 15542; plus strand). Cytogenetic location: 4q21.23.
Variant type: single nucleotide variant.
Coding change: c.54C>T on transcript NM_139076.3 (MANE Select); coding-DNA position 54, C replaced by T.
Protein change: p.Leu18=; no amino-acid change (leucine 18 retained).
Molecular consequence: synonymous variant. On other transcripts: 5 prime UTR variant (1).
Genome position (GRCh38, 1-based): chr4:83,485,019, G>A on the plus strand (C>T on the coding strand, the complement: ABRAXAS1 is on the minus strand). VCF-style: chr4-83485019-G-A. GRCh37 (hg19) VCF-style: chr4-84406172-G-A.
Other names: c.-207C>T (NM_001345962.2).
Identifiers: ClinVar variation 700911 (VCV000700911.38), dbSNP rs769550002, ClinGen allele CA2990677.
Genomic context (GRCh38, chr4:83,485,019, plus strand): 5'-CGGACCCCGCCCCGTCCCTCGGCTCACCGTGTCCGAGTCCGTGTTGAGGTGCTGGAAAGC[G>A]AGTGCGCCGAGCACAAAGCCCGAGAGCACCGCCGACGTACTCTCCCCCTCCATGCTACCG-3'
Protein context (NP_620775.2, residues 8-28): AVLSGFVLGA[Leu18=]AFQHLNTDSD

ClinVar aggregate classification (germline): Likely benign. Review status: criteria provided, multiple submitters, no conflicts (2 of 4 stars). 4 submissions from 4 submitters: Likely benign (4). Last evaluated 2025-09-13.

Allele frequency attached by ClinVar (database versions not stated): TOPMed below 0.00001; gnomAD 0.00001; gnomAD exomes 0.00001; ExAC 0.00002.
gnomAD v4.1: 22 of 1,595,670 alleles (0.0014%); highest among the groups gnomAD compares: Non-Finnish European, 0.0017%; no homozygotes.

Submissions (4):

Labcorp Genetics (formerly Invitae), Labcorp
Classification: Likely benign. Last evaluated: 2025-09-13. Review status: criteria provided, single submitter. Criteria: Invitae Variant Classification Sherloc (09022015). Collection method: clinical testing. Allele origin: germline.

CeGaT Center for Human Genetics Tuebingen
Classification: Likely benign. Last evaluated: 2023-01-01. Review status: criteria provided, single submitter. Criteria: CeGaT Center For Human Genetics Tuebingen Variant Classification Criteria Version 2. Collection method: clinical testing. Allele origin: germline. Affected: yes. Observed: 1 variant allele.
Comment: ABRAXAS1: BP4, BP7

Ambry Genetics
Classification: Likely benign. Last evaluated: 2022-02-23. Review status: criteria provided, single submitter. Criteria: Ambry Variant Classification Scheme 2023. Collection method: clinical testing. Allele origin: germline.

Women's Health and Genetics/Laboratory Corporation of America, LabCorp
Classification: Likely benign. Last evaluated: 2020-04-04. Review status: criteria provided, single submitter. Criteria: LabCorp Variant Classification Summary - May 2015. Collection method: clinical testing. Allele origin: germline.